The following is an entry in ClinVar:

ClinVar aggregate classification (germline): Uncertain significance (1 of 4 stars; one submission).

Conditions:
Hereditary cancer-predisposing syndrome. Also called: Tumor predisposition; Hereditary neoplastic syndrome; Hereditary Cancer Syndrome; Neoplastic Syndromes, Hereditary. Identifiers: Orphanet 140162, MedGen C0027672, MeSH D009386, MONDO:0015356.

Submission:

Ambry Genetics
Classification: Uncertain significance for Hereditary cancer-predisposing syndrome. Last evaluated: 2023-09-29. Review status: criteria provided, single submitter. Criteria: Ambry Variant Classification Scheme 2023. Collection method: clinical testing. Allele origin: germline.
Comment: The p.G693D variant (also known as c.2078G>A), located in coding exon 13 of the CDH1 gene, results from a G to A substitution at nucleotide position 2078. The glycine at codon 693 is replaced by aspartic acid, an amino acid with similar properties. This amino acid position is conserved. In addition, this alteration is predicted to be tolerated by in silico analysis. Since supporting evidence is limited at this time, the clinical significance of this alteration remains unclear.

NM_004360.5(CDH1):c.2078G>A (p.Gly693Asp)

Gene: CDH1 (cadherin 1; plus strand). Cytogenetic location: 16q22.1.
Variant type: single nucleotide variant.
Coding change: c.2078G>A on transcript NM_004360.5 (MANE Select); coding-DNA position 2078, G replaced by A.
Protein change: p.Gly693Asp; replaces glycine 693 with aspartic acid.
Molecular consequence: missense variant.
Genome position (GRCh38, 1-based): chr16:68,823,540, G>A. VCF-style: chr16-68823540-G-A. GRCh37 (hg19) VCF-style: chr16-68857443-G-A.
Other names: c.1895G>A, p.Gly632Asp (NM_001317184.2); c.530G>A, p.Gly177Asp (NM_001317185.2); c.113G>A, p.Gly38Asp (NM_001317186.2); short protein forms G177D, G38D, G632D, G693D.
Identifiers: ClinVar variation 3224165 (VCV003224165.1), dbSNP rs2543945905, ClinGen allele CA396467806.